The following is an entry in ClinVar:

NM_007294.4(BRCA1):c.4186-10G>A

Gene: BRCA1 (BRCA1 DNA repair associated; minus strand). Cytogenetic location: 17q21.31.
Variant type: single nucleotide variant.
Coding change: c.4186-10G>A on transcript NM_007294.4 (MANE Select); 10 bases into the intron before coding-DNA position 4186, G replaced by A.
Molecular consequence: intron variant.
Genome position (GRCh38, 1-based): chr17:43,082,585, C>T on the plus strand (G>A on the coding strand, the complement: BRCA1 is on the minus strand). VCF-style: chr17-43082585-C-T. GRCh37 (hg19) VCF-style: chr17-41234602-C-T.
Other names: IVS12-10G>A; c.736-10G>A (NM_001408458.1, NM_001408453.1, NM_001408461.1 and 8 more transcripts); c.3298-10G>A (NM_001407967.1, NM_001407966.1); c.3805-10G>A (NM_001407959.1, NM_001407960.1); c.3919-10G>A (NM_001407931.1, NM_001407932.1, NM_001407936.1 and 1 more transcripts); c.4042-10G>A (NM_001407747.1, NM_001407839.1, NM_001407745.1 and 17 more transcripts); c.3802-10G>A (NM_001407962.1); c.373-10G>A (NM_001408512.1); and 65 more.
Identifiers: ClinVar variation 55133 (VCV000055133.54), dbSNP rs80358172, ClinGen allele CA002693.

ClinVar aggregate classification (germline): Conflicting classifications of pathogenicity. Review status: criteria provided, conflicting classifications (1 of 4 stars). 16 submissions from 16 submitters: Uncertain significance (1); Benign (5); Likely benign (6). 4 of the submissions do not count toward it. Last evaluated 2025-12-29.

Conditions:
BRCA1-related disorder. Also called: BRCA1-related condition.
Breast and/or ovarian cancer. Identifiers: MedGen CN221562.
Familial pancreatic carcinoma. Identifiers: Orphanet 1333, MedGen C2931038, MONDO:0015278, OMIM 260350.
Breast-ovarian cancer, familial, susceptibility to, 1 (BROVCA1). Also called: BRCA1 Hereditary Breast and Ovarian Cancer; OVARIAN CANCER, SUSCEPTIBILITY TO. Identifiers: Orphanet 145, MedGen C2676676, MONDO:0011450, OMIM 604370. Disease mechanism: loss of function.
Hereditary cancer-predisposing syndrome. Also called: Hereditary Cancer Syndrome; Hereditary neoplastic syndrome; Neoplastic Syndromes, Hereditary; Tumor predisposition. Identifiers: Orphanet 140162, MedGen C0027672, MeSH D009386, MONDO:0015356.
Hereditary breast ovarian cancer syndrome. Also called: BRCA1- and BRCA2-Associated Hereditary Breast and Ovarian Cancer; Hereditary breast and ovarian cancer syndrome; Hereditary breast and ovarian cancer syndrome (HBOC); Breast and ovarian cancer; Hereditary breast and/or ovarian cancer syndrome; Hereditary breast and ovarian cancer. Identifiers: Orphanet 145, MedGen C0677776, MeSH D061325, MONDO:0003582. Disease mechanism: loss of function.

Allele frequency attached by ClinVar (database versions not stated): gnomAD exomes 0.00028 and 0.00010; 1000 Genomes Project 30x 0.00031; ExAC 0.00027; gnomAD 0.00005 and below 0.00001; TOPMed 0.00003; 1000 Genomes Project 0.00040.
gnomAD v4.1: 152 of 1,613,860 alleles (0.0094%); highest among the groups gnomAD compares: South Asian, 0.13%; 1 homozygote.

Submissions (16):

Labcorp Genetics (formerly Invitae), Labcorp
Classification: Benign for Hereditary breast ovarian cancer syndrome. Last evaluated: 2025-12-29. Review status: criteria provided, single submitter. Criteria: Invitae Variant Classification Sherloc (09022015). Collection method: clinical testing. Allele origin: germline.

Center for Genomic Medicine, Rigshospitalet, Copenhagen University Hospital
Classification: Benign. Last evaluated: 2025-03-04. Review status: criteria provided, single submitter. Criteria: ACMG Guidelines, 2015. Collection method: clinical testing. Allele origin: germline.

Quest Diagnostics Nichols Institute San Juan Capistrano
Classification: Benign. Last evaluated: 2025-01-17. Review status: criteria provided, single submitter. Criteria: Quest Diagnostics criteria. Collection method: clinical testing. Allele origin: unknown.

Department of Pathology and Laboratory Medicine, Sinai Health System
Classification: Likely benign for Familial pancreatic carcinoma. Last evaluated: 2023-06-19. Review status: criteria provided, single submitter. Criteria: ACMG Guidelines, 2015. Collection method: clinical testing. Allele origin: germline. Affected: yes.

CHEO Genetics Diagnostic Laboratory, Children's Hospital of Eastern Ontario
Classification: Likely benign for Breast and/or ovarian cancer. Last evaluated: 2021-11-29. Review status: criteria provided, single submitter. Criteria: ACMG Guidelines, 2015. Collection method: clinical testing. Allele origin: germline.

National Health Laboratory Service, Universitas Academic Hospital and University of the Free State
Classification: Likely benign for Hereditary breast ovarian cancer syndrome. Last evaluated: 2021-11-16. Review status: criteria provided, single submitter. Criteria: ACMG Guidelines, 2015. Collection method: clinical testing. Allele origin: germline. Affected: yes. Observed: 2 variant alleles.

Sema4
Classification: Benign for Hereditary cancer-predisposing syndrome. Last evaluated: 2021-04-30. Review status: criteria provided, single submitter. Criteria: Sema4 Curation Guidelines. Collection method: curation. Allele origin: germline.

ARUP Laboratories, Molecular Genetics and Genomics, ARUP Laboratories
Classification: Likely benign. Last evaluated: 2020-08-03. Review status: criteria provided, single submitter. Criteria: ARUP Molecular Germline Variant Investigation Process. Collection method: clinical testing. Allele origin: germline.

GeneDx
Classification: Likely benign. Last evaluated: 2019-07-02. Review status: criteria provided, single submitter. Criteria: GeneDx Variant Classification Process June 2021. Collection method: clinical testing. Allele origin: germline. Affected: yes.
Comment: In-silico analysis, which includes splice predictors and evolutionary conservation, is inconclusive as to whether the variant alters gene splicing. In the absence of RNA/functional studies, the actual effect of this sequence change is unknown.; This variant is associated with the following publications: (PMID: 18627636, 16267036, 25561518, 26269718, 28222693, 29280214)

Color Diagnostics, LLC DBA Color Health
Classification: Likely benign for Hereditary cancer-predisposing syndrome. Last evaluated: 2017-08-21. Review status: criteria provided, single submitter. Criteria: ACMG Guidelines, 2015. Collection method: clinical testing. Allele origin: germline.

Genetic Services Laboratory, University of Chicago
Classification: Uncertain significance. Last evaluated: 2016-08-19. Review status: criteria provided, single submitter. Criteria: ACMG Guidelines, 2015. Collection method: clinical testing. Allele origin: germline. Affected: no.

Women's Health and Genetics/Laboratory Corporation of America, LabCorp
Classification: Benign. Last evaluated: 2016-04-22. Review status: criteria provided, single submitter. Criteria: LabCorp Variant Classification Summary - May 2015. Collection method: clinical testing. Allele origin: germline.
Comment: Variant summary: The c.4186-10G>A in BRCA1 gene is an intronic change that involves a non-conserved nucleotide. 4/5 programs in Alamut predict that this variant does not affect normal splicing, however no functional studies supporting this notion were published at the time of evaluation. The variant is present in the control population dataset of ExAC, mainly in individuals of East Asian descent at frequency of 0.17%, including one homozygous occurrence. The observed frequency exceeds the maximum expected allele frequency for a pathogenic BRCA1 variant, suggesting that it is a polymorphism. The fact that c.4186-10G>A has been reported to co-occur with two different deleterious mutation in BRCA1 gene (c.3700_3704delGTAAA and c.3759_3760delTA) suggests a non-disease causing nature of this variant. In addition, the variant has been reported as Polymorphismin published reports (Soumittra, 2009). Taken together, this variant has been classified as Benign.

PreventionGenetics, part of Exact Sciences
Classification: Likely benign for BRCA1-related condition. Last evaluated: 2019-04-16. Review status: no assertion criteria provided. Collection method: clinical testing. Allele origin: germline. Not counted in ClinVar's aggregate classification.
Comment: This variant is classified as likely benign based on ACMG/AMP sequence variant interpretation guidelines (Richards et al. 2015 PMID: 25741868, with internal and published modifications).

Counsyl
Classification: Likely benign for Breast-ovarian cancer, familial, susceptibility to, 1. Last evaluated: 2017-07-24. Review status: no assertion criteria provided. Collection method: clinical testing. Allele origin: unknown. Not counted in ClinVar's aggregate classification.

Sharing Clinical Reports Project (SCRP)
Classification: Benign for Breast-ovarian cancer, familial 1. Last evaluated: 2010-09-13. Review status: no assertion criteria provided. Collection method: clinical testing. Allele origin: germline. Not counted in ClinVar's aggregate classification.

Breast Cancer Information Core (BIC) (BRCA1)
Classification: Uncertain significance for Breast-ovarian cancer, familial 1. Last evaluated: 2002-05-29. Review status: no assertion criteria provided. Collection method: clinical testing. Allele origin: germline. Affected: yes. Observed: 3 variant alleles. Not counted in ClinVar's aggregate classification.

Literature cited by the submitters: PubMed 19656415 (cited by Quest Diagnostics Nichols Institute San Juan Capistrano and Women's Health and Genetics/Laboratory Corporation of America, LabCorp); PubMed 29280214 (cited by Quest Diagnostics Nichols Institute San Juan Capistrano); PubMed 18627636 (cited by 3 submitters); DOI 10.3389/fgene.2022.834265 (cited by National Health Laboratory Service, Universitas Academic Hospital and University of the Free State).